The following is an entry in ClinVar:

ClinVar aggregate classification (germline): Pathogenic. Review status: criteria provided, multiple submitters, no conflicts (2 of 4 stars). 3 submissions from 3 submitters: Pathogenic (3). Last evaluated 2025-09-10.

Conditions:
Fanconi anemia complementation group C (FANCC). Also called: FANCONI PANCYTOPENIA, TYPE 3; FACC; Fanconi anemia, group C; FANCC-Related Fanconi Anemia. Identifiers: Orphanet 84, MedGen C3468041, MONDO:0009213, OMIM 227645.
Hereditary cancer-predisposing syndrome. Also called: Neoplastic Syndromes, Hereditary; Tumor predisposition; Hereditary neoplastic syndrome; Hereditary Cancer Syndrome. Identifiers: Orphanet 140162, MedGen C0027672, MeSH D009386, MONDO:0015356.

Allele frequency attached by ClinVar (database versions not stated): gnomAD exomes below 0.00001.
gnomAD v4.1: 1 of 1,613,944 alleles (0.000062%); highest among the groups gnomAD compares: South Asian, 0.0011%; no homozygotes.

Submissions (3):

Genomic Medicine Center of Excellence, King Faisal Specialist Hospital and Research Centre
Classification: Pathogenic for Fanconi anemia complementation group C. Last evaluated: 2025-09-10. Review status: criteria provided, single submitter. Criteria: ACMG Guidelines, 2015. Collection method: clinical testing. Allele origin: germline.

Baylor Genetics
Classification: Pathogenic for Fanconi anemia complementation group C. Last evaluated: 2023-09-23. Review status: criteria provided, single submitter. Criteria: ACMG Guidelines, 2015. Collection method: clinical testing. Allele origin: unknown.

Ambry Genetics
Classification: Pathogenic for Hereditary cancer-predisposing syndrome. Last evaluated: 2018-06-21. Review status: criteria provided, single submitter. Criteria: Ambry Variant Classification Scheme 2023. Collection method: clinical testing. Allele origin: germline.
Comment: The p.W243* pathogenic mutation (also known as c.729G>A), located in coding exon 7 of the FANCC gene, results from a G to A substitution at nucleotide position 729. This changes the amino acid from a tryptophan to a stop codon within coding exon 7. This alteration is expected to result in loss of function by premature protein truncation or nonsense-mediated mRNA decay. As such, this alteration is interpreted as a disease-causing mutation.

NM_000136.3(FANCC):c.729G>A (p.Trp243Ter)

Genes: FANCC (FA complementation group C; minus strand), AOPEP (aminopeptidase O (putative); plus strand). Cytogenetic location: 9q22.32.
Variant type: single nucleotide variant.
Coding change: c.729G>A on transcript NM_000136.3 (MANE Select); coding-DNA position 729, G replaced by A.
Protein change: p.Trp243Ter; replaces tryptophan 243 with a stop codon.
Molecular consequence: nonsense.
Genome position (GRCh38, 1-based): chr9:95,135,460, C>T on the plus strand (G>A on the coding strand, the complement: FANCC is on the minus strand). VCF-style: chr9-95135460-C-T. GRCh37 (hg19) VCF-style: chr9-97897742-C-T.
Other names: c.729G>A, p.Trp243Ter (NM_001243743.2, NM_001243744.2); short protein forms W243*.
Identifiers: ClinVar variation 826952 (VCV000826952.6), dbSNP rs1588134571, ClinGen allele CA374109410.